The following is an entry in ClinVar:

NM_002609.4(PDGFRB):c.486G>A (p.Glu162=)

Gene: PDGFRB (platelet derived growth factor receptor beta; minus strand). Cytogenetic location: 5q32.
Variant type: single nucleotide variant.
Coding change: c.486G>A on transcript NM_002609.4 (MANE Select); coding-DNA position 486, G replaced by A.
Protein change: p.Glu162=; no amino-acid change (glutamic acid 162 retained).
Molecular consequence: synonymous variant. On other transcripts: 5 prime UTR variant (1).
Genome position (GRCh38, 1-based): chr5:150,134,895, C>T on the plus strand (G>A on the coding strand, the complement: PDGFRB is on the minus strand). VCF-style: chr5-150134895-C-T. GRCh37 (hg19) VCF-style: chr5-149514458-C-T.
Other names: c.486G>A (NM_002609.3); c.294G>A, p.Glu98= (NM_001355016.2); c.-32G>A (NM_001355017.2).
Identifiers: ClinVar variation 1167104 (VCV001167104.11), dbSNP rs147141808, ClinGen allele CA3508297.
Genomic context (GRCh38, chr5:150,134,895, plus strand): 5'-GATACCAGAAAAGCCACGTTGGTGATCATAGGGGACAGGCAGTGCAACGTCCCCTTTCTT[C>T]TCGTGCAGTGTCACCACCAGCTGTGGGTCTGTTACTCGGCATGGAATGGTGATCTCAGTT-3'
Protein context (NP_002600.1, residues 152-172): TDPQLVVTLH[Glu162=]KKGDVALPVP

ClinVar aggregate classification (germline): Benign. Review status: criteria provided, single submitter (1 of 4 stars). 2 submissions from 2 submitters: Benign (1). 1 of the submissions does not count toward it. Last evaluated 2023-04-06.

Conditions:
Skeletal overgrowth-craniofacial dysmorphism-hyperelastic skin-white matter lesions syndrome. Also called: SKELETAL OVERGROWTH WITH FACIAL DYSMORPHISM, HYPERELASTIC SKIN, WHITE MATTER LESIONS, AND NEUROLOGIC DETERIORATION; Kosaki overgrowth syndrome. Identifiers: Orphanet 477831, MedGen C4225270, MONDO:0014704, OMIM 616592.
Acroosteolysis-keloid-like lesions-premature aging syndrome. Also called: Premature aging syndrome, Penttinen type; Prematurely aged appearance, delayed bone maturation, acro-osteolysis, and brachydactyly; Progeroid syndrome, Penttinen type. Identifiers: Orphanet 363665, MedGen C1866182, MONDO:0011150, OMIM 601812.
Basal ganglia calcification, idiopathic, 4 (PFBC4). Also called: PRIMARY FAMILIAL BRAIN CALCIFICATION 4, AUTOSOMAL DOMINANT; Familial Idiopathic Basal Ganglia Calcification 4. Identifiers: Orphanet 1980, MedGen C3554321, MONDO:0014004, OMIM 615007.
Infantile myofibromatosis (IMF). Also called: Congenital generalized fibromatosis. Identifiers: Orphanet 2591, MedGen C0432284, MONDO:0016824.
PDGFRB-related disorder. Also called: PDGFRB-related condition.

Allele frequency attached by ClinVar (database versions not stated): 1000 Genomes Project 30x 0.00109; gnomAD 0.00009 and 0.00018; TOPMed 0.00021; ExAC 0.00030; gnomAD exomes 0.00016 and 0.00036; 1000 Genomes Project 0.00120.
gnomAD v4.1: 266 of 1,614,128 alleles (0.016%); highest among the groups gnomAD compares: East Asian, 0.57%; 2 homozygotes.

Submissions (2):

Labcorp Genetics (formerly Invitae), Labcorp
Classification: Benign for Basal ganglia calcification, idiopathic, 4; Skeletal overgrowth-craniofacial dysmorphism-hyperelastic skin-white matter lesions syndrome; Infantile myofibromatosis; Acroosteolysis-keloid-like lesions-premature aging syndrome. Last evaluated: 2023-04-06. Review status: criteria provided, single submitter. Criteria: Invitae Variant Classification Sherloc (09022015). Collection method: clinical testing. Allele origin: germline.

PreventionGenetics, part of Exact Sciences
Classification: Benign for PDGFRB-related condition. Last evaluated: 2019-03-13. Review status: no assertion criteria provided. Collection method: clinical testing. Allele origin: germline. Not counted in ClinVar's aggregate classification.
Comment: This variant is classified as benign based on ACMG/AMP sequence variant interpretation guidelines (Richards et al. 2015 PMID: 25741868, with internal and published modifications).